The following is an entry in ClinVar:

NM_000059.4(BRCA2):c.7211A>C (p.Lys2404Thr)

Gene: BRCA2 (BRCA2 DNA repair associated; plus strand). Cytogenetic location: 13q13.1.
Variant type: single nucleotide variant.
Coding change: c.7211A>C on transcript NM_000059.4 (MANE Select); coding-DNA position 7211, A replaced by C.
Protein change: p.Lys2404Thr; replaces lysine 2404 with threonine.
Molecular consequence: missense variant.
Genome position (GRCh38, 1-based): chr13:32,355,064, A>C. VCF-style: chr13-32355064-A-C. GRCh37 (hg19) VCF-style: chr13-32929201-A-C.
Other names: short protein forms K2404T.
Identifiers: ClinVar variation 651927 (VCV000651927.11), dbSNP rs1593918055, ClinGen allele CA387739992.

ClinVar aggregate classification (germline): Uncertain significance. Review status: criteria provided, multiple submitters, no conflicts (2 of 4 stars). 3 submissions from 3 submitters: Uncertain significance (3). Last evaluated 2025-12-09.

Conditions:
Hereditary cancer-predisposing syndrome. Also called: Neoplastic Syndromes, Hereditary; Tumor predisposition; Hereditary Cancer Syndrome; Hereditary neoplastic syndrome. Identifiers: Orphanet 140162, MedGen C0027672, MeSH D009386, MONDO:0015356.
Hereditary breast ovarian cancer syndrome. Also called: Breast and ovarian cancer; BRCA1- and BRCA2-Associated Hereditary Breast and Ovarian Cancer; Hereditary breast and ovarian cancer; Hereditary breast and/or ovarian cancer syndrome; Hereditary breast and ovarian cancer syndrome; Hereditary breast and ovarian cancer syndrome (HBOC). Identifiers: Orphanet 145, MedGen C0677776, MeSH D061325, MONDO:0003582. Disease mechanism: loss of function.

Submissions (3):

Labcorp Genetics (formerly Invitae), Labcorp
Classification: Uncertain significance for Hereditary breast ovarian cancer syndrome. Last evaluated: 2025-12-09. Review status: criteria provided, single submitter. Criteria: Invitae Variant Classification Sherloc (09022015). Collection method: clinical testing. Allele origin: germline.
Comment: This sequence change replaces lysine, which is basic and polar, with threonine, which is neutral and polar, at codon 2404 of the BRCA2 protein (p.Lys2404Thr). This variant is not present in population databases (gnomAD no frequency). This variant has not been reported in the literature in individuals affected with BRCA2-related conditions. ClinVar contains an entry for this variant (Variation ID: 651927). Invitae Evidence Modeling of protein sequence and biophysical properties (such as structural, functional, and spatial information, amino acid conservation, physicochemical variation, residue mobility, and thermodynamic stability) indicates that this missense variant is not expected to disrupt BRCA2 protein function with a negative predictive value of 95%. In summary, the available evidence is currently insufficient to determine the role of this variant in disease. Therefore, it has been classified as a Variant of Uncertain Significance.

Ambry Genetics
Classification: Uncertain significance for Hereditary cancer-predisposing syndrome. Last evaluated: 2022-04-24. Review status: criteria provided, single submitter. Criteria: Ambry Variant Classification Scheme 2023. Collection method: clinical testing. Allele origin: germline.
Comment: The p.K2404T variant (also known as c.7211A>C), located in coding exon 13 of the BRCA2 gene, results from an A to C substitution at nucleotide position 7211. The lysine at codon 2404 is replaced by threonine, an amino acid with similar properties. This amino acid position is conserved. In addition, the in silico prediction for this alteration is inconclusive. Since supporting evidence is limited at this time, the clinical significance of this alteration remains unclear.

Quest Diagnostics Nichols Institute San Juan Capistrano
Classification: Uncertain significance. Last evaluated: 2019-03-25. Review status: criteria provided, single submitter. Criteria: Quest Diagnostics criteria. Collection method: clinical testing. Allele origin: germline.